The following is an entry in ClinVar:

ClinVar aggregate classification (germline): Uncertain significance (1 of 4 stars; one submission).

Allele frequency attached by ClinVar (database versions not stated): gnomAD exomes 0.00002 and 0.00009; gnomAD 0.00003 and 0.00004; ExAC 0.00015.
gnomAD v4.1: 36 of 1,604,214 alleles (0.0022%); highest among the groups gnomAD compares: Admixed American, 0.031%; no homozygotes.

Submission:

Labcorp Genetics (formerly Invitae), Labcorp
Classification: Uncertain significance. Last evaluated: 2022-07-12. Review status: criteria provided, single submitter. Criteria: Invitae Variant Classification Sherloc (09022015). Collection method: clinical testing. Allele origin: germline.
Comment: This sequence change replaces arginine with histidine at codon 1331 of the LTBP4 protein (p.Arg1331His). The arginine residue is highly conserved and there is a small physicochemical difference between arginine and histidine. This variant is present in population databases (rs759728325, gnomAD 0.05%). This variant has not been reported in the literature in individuals affected with LTBP4-related conditions. ClinVar contains an entry for this variant (Variation ID: 1389436). Experimental studies and prediction algorithms are not available or were not evaluated, and the functional significance of this variant is currently unknown. In summary, the available evidence is currently insufficient to determine the role of this variant in disease. Therefore, it has been classified as a Variant of Uncertain Significance.

NM_001042545.2(LTBP4):c.3902G>A (p.Arg1301His)

Gene: LTBP4 (latent transforming growth factor beta binding protein 4; plus strand). Cytogenetic location: 19q13.2.
Variant type: single nucleotide variant.
Coding change: c.3902G>A on transcript NM_001042545.2 (MANE Select); coding-DNA position 3902, G replaced by A.
Protein change: p.Arg1301His; replaces arginine 1301 with histidine.
Molecular consequence: missense variant.
Genome position (GRCh38, 1-based): chr19:40,625,926, G>A. VCF-style: chr19-40625926-G-A. GRCh37 (hg19) VCF-style: chr19-41131831-G-A.
Other names: c.4103G>A, p.Arg1368His (NM_001042544.1); c.3992G>A, p.Arg1331His (NM_003573.2); short protein forms R1301H, R1368H, R1331H.
Identifiers: ClinVar variation 1389436 (VCV001389436.3), dbSNP rs759728325, ClinGen allele CA9449173.